The following is an entry in ClinVar:

NM_001039591.3(USP9X):c.2644_2645insA (p.Arg882fs)

Gene: USP9X (ubiquitin specific peptidase 9 X-linked; plus strand). Cytogenetic location: Xp11.4.
Variant type: Insertion.
Coding change: c.2644_2645insA on transcript NM_001039591.3 (MANE Select); coding-DNA positions 2644 to 2645, A inserted.
Protein change: p.Arg882fs; shifts the reading frame from arginine 882.
Molecular consequence: frameshift variant.
Genome position: GRCh38 VCF-style: chrX-41170002-C-CA. GRCh37 (hg19) VCF-style: chrX-41029255-C-CA.
Other names: c.2644_2645insA, p.Arg882fs (NM_001039590.3); short protein forms R882fs.
Identifiers: ClinVar variation 223096 (VCV000223096.4), dbSNP rs869025590, ClinGen allele CA352183.

ClinVar aggregate classification (germline): Pathogenic. Review status: criteria provided, single submitter (1 of 4 stars). 2 submissions from 2 submitters: Pathogenic (1). 1 of the submissions does not count toward it. Last evaluated 2025-08-25.

Conditions:
Intellectual developmental disorder, X-linked 99, syndromic, female-restricted. Also called: Intellectual disability, X-linked 99, syndromic, female-restricted. Identifiers: MedGen C4225416, MONDO:0010502, OMIM 300968.

Submissions (2):

Daryl Scott Lab, Baylor College of Medicine
Classification: Pathogenic for Intellectual developmental disorder, X-linked 99, syndromic, female-restricted. Last evaluated: 2025-08-25. Review status: criteria provided, single submitter. Criteria: ACMG Guidelines, 2015. Collection method: clinical testing. Allele origin: unknown. Affected: yes. Observed: 1 heterozygote.
Comment: PVS1, PM2

OMIM
Classification: Pathogenic for INTELLECTUAL DEVELOPMENTAL DISORDER, X-LINKED 99, SYNDROMIC, FEMALE-RESTRICTED. Last evaluated: 2021-08-19. Review status: no assertion criteria provided. Collection method: literature only. Allele origin: germline. Not counted in ClinVar's aggregate classification.

Literature cited by the submitters: PubMed 26833328 (cited by OMIM).